The following is an entry in ClinVar:

NM_001163809.2(WDR81):c.1735G>A (p.Gly579Arg)

Gene: WDR81 (WD repeat domain 81; plus strand). Cytogenetic location: 17p13.3.
Variant type: single nucleotide variant.
Coding change: c.1735G>A on transcript NM_001163809.2 (MANE Select); coding-DNA position 1735, G replaced by A.
Protein change: p.Gly579Arg; replaces glycine 579 with arginine.
Molecular consequence: missense variant. On other transcripts: intron variant (3).
Genome position (GRCh38, 1-based): chr17:1,726,694, G>A. VCF-style: chr17-1726694-G-A. GRCh37 (hg19) VCF-style: chr17-1629988-G-A.
Other names: c.-123-1296G>A (NM_152348.4); c.59-3686G>A (NM_001163673.2); c.-15+1908G>A (NM_001163811.2); short protein forms G579R.
Identifiers: ClinVar variation 2627495 (VCV002627495.1), dbSNP rs1174178632, ClinGen allele CA397589195.
Genomic context (GRCh38, chr17:1,726,694, plus strand): 5'-GTCAAGGAAAAGAATGTGTGTCTGCACCTGGTGGACGCCCACACTCACCTGGCCAGCTAC[G>A]GGGTGGTGCAGCTCTTCGATCAGCCACACCCCCAGCGCCTGGCTGGGGCTCCTGCCCTTG-3'
Protein context (NP_001157281.1, residues 569-589): VDAHTHLASY[Gly579Arg]VVQLFDQPHP

ClinVar aggregate classification (germline): Uncertain significance (1 of 4 stars; one submission).

Conditions:
Cerebellar ataxia, impaired intellectual development, and dysequilibrium syndrome 2. Also called: Cerebellar ataxia, intellectual disability, and dysequilibrium syndrome 2; CEREBELLAR ATAXIA, MENTAL RETARDATION, AND DYSEQUILIBRIUM SYNDROME 2; CEREBELLAR ATAXIA AND MENTAL RETARDATION WITH OR WITHOUT QUADRUPEDAL LOCOMOTION 2. Identifiers: Orphanet 1766, MedGen C2750234, MONDO:0012430, OMIM 610185.

Allele frequency attached by ClinVar (database versions not stated): gnomAD exomes below 0.00001; TOPMed 0.00001.
gnomAD v4.1: 6 of 1,549,496 alleles (0.00039%); highest among the groups gnomAD compares: African/African-American, 0.0014%; no homozygotes.

Submission:

Neuberg Centre For Genomic Medicine, NCGM
Classification: Uncertain significance for Cerebellar ataxia, impaired intellectual development, and dysequilibrium syndrome 2. Review status: criteria provided, single submitter. Criteria: ACMG Guidelines, 2015. Collection method: clinical testing. Allele origin: germline. Inheritance: Autosomal recessive inheritance. Affected: yes.
Comment: The missense variant p.G579R in WDR81 (NM_001163809.2) has not been reported previously as a pathogenic variant nor as a benign variant, to our knowledge. The p.G579R variant is novel (not in any individuals) in gnomAD Exomes and is novel (not in any individuals) in 1000 Genomes. There is a moderate physicochemical difference between glycine and arginine. The p.G579R missense variant is predicted to be damaging by both SIFT and PolyPhen2. The glycine residue at codon 579 of WDR81 is conserved in all mammalian species. The nucleotide c.1735 in WDR81 is predicted conserved by GERP++ and PhyloP across 100 vertebrates. For these reasons, this variant has been classified as Uncertain Significance.